The following is an entry in ClinVar:

ClinVar aggregate classification (germline): Pathogenic. Review status: criteria provided, multiple submitters, no conflicts (2 of 4 stars). 2 submissions from 2 submitters: Pathogenic (2). Last evaluated 2026-01-30.

Submissions (2):

GeneDx
Classification: Pathogenic. Last evaluated: 2026-01-30. Review status: criteria provided, single submitter. Criteria: GeneDx Variant Classification Process June 2021. Collection method: clinical testing. Allele origin: germline.
Comment: Reported in three pregnancy losses from the same family who inherited the variant from a parent with gonadal mosaicism (PMID: 35175019); Nonsense variant predicted to result in protein truncation or nonsense mediated decay in a gene for which loss of function is a known mechanism of disease; Not observed at significant frequency in large population cohorts (gnomAD); This variant is associated with the following publications: (PMID: 40116087, 35175019, 41134463)

Center for Personalized Medicine, Children's Hospital Los Angeles
Classification: Pathogenic. Last evaluated: 2022-12-21. Review status: criteria provided, single submitter. Criteria: ACMG Guidelines, 2015. Collection method: clinical testing. Allele origin: de novo. Affected: yes.

NM_004247.4(EFTUD2):c.1012G>T (p.Glu338Ter)

Gene: EFTUD2 (elongation factor Tu GTP binding domain containing 2; minus strand). Cytogenetic location: 17q21.31.
Variant type: single nucleotide variant.
Coding change: c.1012G>T on transcript NM_004247.4 (MANE Select); coding-DNA position 1012, G replaced by T.
Protein change: p.Glu338Ter; replaces glutamic acid 338 with a stop codon.
Molecular consequence: nonsense.
Genome position (GRCh38, 1-based): chr17:44,868,333, C>A on the plus strand (G>T on the coding strand, the complement: EFTUD2 is on the minus strand). VCF-style: chr17-44868333-C-A. GRCh37 (hg19) VCF-style: chr17-42945701-C-A.
Other names: c.907G>T, p.Glu303Ter (NM_001142605.2); c.1012G>T, p.Glu338Ter (NM_001258353.2); c.982G>T, p.Glu328Ter (NM_001258354.2); short protein forms E303*, E328*, E338*.
Identifiers: ClinVar variation 2446031 (VCV002446031.2), dbSNP rs2508783361, ClinGen allele CA399816474.